The following is an entry in ClinVar:

NM_024494.3(WNT2B):c.433A>T (p.Ile145Phe)

Gene: WNT2B (Wnt family member 2B; plus strand). Cytogenetic location: 1p13.2.
Variant type: single nucleotide variant.
Coding change: c.433A>T on transcript NM_024494.3 (MANE Select); coding-DNA position 433, A replaced by T.
Protein change: p.Ile145Phe; replaces isoleucine 145 with phenylalanine.
Molecular consequence: missense variant.
Genome position (GRCh38, 1-based): chr1:112,516,169, A>T. VCF-style: chr1-112516169-A-T. GRCh37 (hg19) VCF-style: chr1-113058791-A-T.
Other names: c.157A>T, p.Ile53Phe (NM_001291880.1); c.376A>T, p.Ile126Phe (NM_004185.4); short protein forms I145F, I126F, I53F.
Identifiers: ClinVar variation 1994649 (VCV001994649.4), dbSNP rs2526499748, ClinGen allele CA341653658.

ClinVar aggregate classification (germline): Uncertain significance (1 of 4 stars; one submission).

Submission:

Labcorp Genetics (formerly Invitae), Labcorp
Classification: Uncertain significance. Last evaluated: 2022-05-22. Review status: criteria provided, single submitter. Criteria: Invitae Variant Classification Sherloc (09022015). Collection method: clinical testing. Allele origin: germline.
Comment: In summary, the available evidence is currently insufficient to determine the role of this variant in disease. Therefore, it has been classified as a Variant of Uncertain Significance. Algorithms developed to predict the effect of missense changes on protein structure and function are either unavailable or do not agree on the potential impact of this missense change (SIFT: "Deleterious"; PolyPhen-2: "Probably Damaging"; Align-GVGD: "Class C15"). This variant has not been reported in the literature in individuals affected with WNT2B-related conditions. This variant is not present in population databases (gnomAD no frequency). This sequence change replaces isoleucine, which is neutral and non-polar, with phenylalanine, which is neutral and non-polar, at codon 145 of the WNT2B protein (p.Ile145Phe).